The following is an entry in ClinVar:

NM_138413.4(HOGA1):c.903del (p.Cys302fs)

Gene: HOGA1 (4-hydroxy-2-oxoglutarate aldolase 1; plus strand). Cytogenetic location: 10q24.2.
Variant type: Deletion.
Coding change: c.903del on transcript NM_138413.4 (MANE Select); coding-DNA position 903, one base deleted (C; older notation c.903delC).
Protein change: p.Cys302fs; shifts the reading frame from cysteine 302.
Molecular consequence: frameshift variant.
Genome position (GRCh38, 1-based): chr10:97,611,578, C deleted; the last of 4 consecutive C bases (chr10:97,611,575-97,611,578); deleting any one gives the same sequence. VCF-style (leftmost placement, unchanged base first): chr10-97611574-GC-G. GRCh37 (hg19) VCF-style: chr10-99371331-GC-G.
Other names: c.414del, p.Cys139fs (NM_001134670.2); short protein forms C302fs, C139fs.
Identifiers: ClinVar variation 2057925 (VCV002057925.4), dbSNP rs2540086681, ClinGen allele CA2580082536.

ClinVar aggregate classification (germline): Pathogenic (1 of 4 stars; one submission).

Submission:

Labcorp Genetics (formerly Invitae), Labcorp
Classification: Pathogenic. Last evaluated: 2021-12-24. Review status: criteria provided, single submitter. Criteria: Invitae Variant Classification Sherloc (09022015). Collection method: clinical testing. Allele origin: germline.
Comment: This sequence change creates a premature translational stop signal (p.Cys302Alafs*8) in the HOGA1 gene. While this is not anticipated to result in nonsense mediated decay, it is expected to disrupt the last 26 amino acid(s) of the HOGA1 protein. This variant is not present in population databases (gnomAD no frequency). This variant has not been reported in the literature in individuals affected with HOGA1-related conditions. This variant disrupts a region of the HOGA1 protein in which other variant(s) (p.Glu315del) have been determined to be pathogenic (PMID: 20797690, 22771891, 27096395). This suggests that this is a clinically significant region of the protein, and that variants that disrupt it are likely to be disease-causing. For these reasons, this variant has been classified as Pathogenic.

Literature cited by the submitters: PubMed 20797690; PubMed 22771891; PubMed 27096395.